The following is an entry in ClinVar:

NM_001042517.2(DIAPH3):c.2565G>C (p.Arg855=)

Gene: DIAPH3 (diaphanous related formin 3; minus strand). Cytogenetic location: 13q21.2.
Variant type: single nucleotide variant.
Coding change: c.2565G>C on transcript NM_001042517.2 (MANE Select); coding-DNA position 2565, G replaced by C.
Protein change: p.Arg855=; no amino-acid change (arginine 855 retained).
Molecular consequence: synonymous variant.
Genome position (GRCh38, 1-based): chr13:59,879,271, C>G on the plus strand (G>C on the coding strand, the complement: DIAPH3 is on the minus strand). VCF-style: chr13-59879271-C-G. GRCh37 (hg19) VCF-style: chr13-60453405-C-G.
Other names: c.2532G>C, p.Arg844= (NM_001258366.2); c.2427G>C, p.Arg809= (NM_001258367.2); c.2355G>C, p.Arg785= (NM_001258368.2); c.2565G>C, p.Arg855= (NM_001258369.2); c.1776G>C, p.Arg592= (NM_001258370.2, NM_030932.4).
Identifiers: ClinVar variation 682252 (VCV000682252.13), dbSNP rs150395977, ClinGen allele CA6996355.
Genomic context (GRCh38, chr13:59,879,271, plus strand): 5'-TTAAAAAAACAAACTCACTTTACAGAGAGAGCTAAGGTTAAATCCGAAGGTTTGAGCATT[C>G]CGGGAGCCAGCATTCATGTAGTTTCCCATTAGCAATACAAGTTCCAGCAACTTGCTAAAG-3'
Protein context (NP_001035982.1, residues 845-865): LMGNYMNAGS[Arg855=]NAQTFGFNLS

ClinVar aggregate classification (germline): Benign/Likely benign. Review status: criteria provided, multiple submitters, no conflicts (2 of 4 stars). 4 submissions from 4 submitters: Benign (2); Likely benign (1). 1 of the submissions does not count toward it. Last evaluated 2025-09-01.

Conditions:
DIAPH3-related disorder. Also called: DIAPH3-related condition.

Allele frequency attached by ClinVar (database versions not stated): gnomAD exomes 0.00025 and 0.00063; ExAC 0.00076; gnomAD 0.00245 and 0.00264; 1000 Genomes Project 0.00260; ESP Exome Variant Server 0.00268; TOPMed 0.00289; 1000 Genomes Project 30x 0.00297.
gnomAD v4.1: 756 of 1,613,822 alleles (0.047%); highest among the groups gnomAD compares: African/African-American, 0.89%; 4 homozygotes.

Submissions (4):

Labcorp Genetics (formerly Invitae), Labcorp
Classification: Benign. Last evaluated: 2025-09-01. Review status: criteria provided, single submitter. Criteria: Invitae Variant Classification Sherloc (09022015). Collection method: clinical testing. Allele origin: germline.

Blueprint Genetics
Classification: Likely benign. Last evaluated: 2024-11-20. Review status: criteria provided, single submitter. Criteria: ACMG Guidelines, 2015. Collection method: clinical testing. Allele origin: germline.

GeneDx
Classification: Benign. Last evaluated: 2019-09-10. Review status: criteria provided, single submitter. Criteria: GeneDx Variant Classification Process June 2021. Collection method: clinical testing. Allele origin: germline. Affected: yes.

PreventionGenetics, part of Exact Sciences
Classification: Benign for DIAPH3-related condition. Last evaluated: 2020-02-25. Review status: no assertion criteria provided. Collection method: clinical testing. Allele origin: germline. Not counted in ClinVar's aggregate classification.
Comment: This variant is classified as benign based on ACMG/AMP sequence variant interpretation guidelines (Richards et al. 2015 PMID: 25741868, with internal and published modifications).